The following is an entry in ClinVar:

ClinVar aggregate classification (germline): Uncertain significance (1 of 4 stars; one submission).

Conditions:
Multiple gastrointestinal atresias. Also called: Multiple intestinal atresia; FAMILIAL INTESTINAL POLYATRESIA SYNDROME. Identifiers: Orphanet 2300, MedGen C0220744, MONDO:0009465.

Submission:

Labcorp Genetics (formerly Invitae), Labcorp
Classification: Uncertain significance for Multiple gastrointestinal atresias. Last evaluated: 2022-07-20. Review status: criteria provided, single submitter. Criteria: Invitae Variant Classification Sherloc (09022015). Collection method: clinical testing. Allele origin: germline.
Comment: Algorithms developed to predict the effect of missense changes on protein structure and function are either unavailable or do not agree on the potential impact of this missense change (SIFT: "Deleterious"; PolyPhen-2: "Benign"; Align-GVGD: "Class C0"). In summary, the available evidence is currently insufficient to determine the role of this variant in disease. Therefore, it has been classified as a Variant of Uncertain Significance. This variant has not been reported in the literature in individuals affected with TTC7A-related conditions. This sequence change replaces aspartic acid, which is acidic and polar, with glutamic acid, which is acidic and polar, at codon 60 of the TTC7A protein (p.Asp60Glu). This variant is not present in population databases (gnomAD no frequency).

NM_020458.4(TTC7A):c.180C>G (p.Asp60Glu)

Genes: MCFD2 (multiple coagulation factor deficiency 2, ER cargo receptor complex subunit; minus strand), TTC7A (tetratricopeptide repeat domain 7A; plus strand). Cytogenetic location: 2p21.
Variant type: single nucleotide variant.
Coding change: c.180C>G on transcript NM_020458.4 (MANE Select); coding-DNA position 180, C replaced by G.
Protein change: p.Asp60Glu; replaces aspartic acid 60 with glutamic acid.
Molecular consequence: missense variant. On other transcripts: 5 prime UTR variant (3), intron variant (1).
Genome position (GRCh38, 1-based): chr2:46,941,721, C>G. VCF-style: chr2-46941721-C-G. GRCh37 (hg19) VCF-style: chr2-47168860-C-G.
Other names: c.-156G>C (NM_001171508.2); c.-58G>C (NM_001171511.3); c.83-8642C>G (NM_001288953.2); c.180C>G, p.Asp60Glu (NM_001288951.2); c.-725C>G (NM_001288955.2); short protein forms D60E.
Identifiers: ClinVar variation 1720676 (VCV001720676.6), dbSNP rs2466130107, ClinGen allele CA346715893.